The following is an entry in ClinVar:

NM_007078.3(LDB3):c.1297C>A (p.Pro433Thr)

Gene: LDB3 (LIM domain binding 3; plus strand). Cytogenetic location: 10q23.2.
Variant type: single nucleotide variant.
Coding change: c.1297C>A on transcript NM_007078.3 (MANE Select); coding-DNA position 1297, C replaced by A.
Protein change: p.Pro433Thr; replaces proline 433 with threonine.
Molecular consequence: missense variant.
Genome position (GRCh38, 1-based): chr10:86,716,392, C>A. VCF-style: chr10-86716392-C-A. GRCh37 (hg19) VCF-style: chr10-88476149-C-A.
Other names: c.967C>A, p.Pro323Thr (NM_001080114.2); c.1312C>A, p.Pro438Thr (NM_001171610.2); c.1108C>A, p.Pro370Thr (NM_001368064.1, NM_001368065.1); c.1156C>A, p.Pro386Thr (NM_001368066.1); short protein forms P438T, P370T, P386T, P323T, P433T.
Identifiers: ClinVar variation 2001512 (VCV002001512.4), dbSNP rs1208678612, ClinGen allele CA377449673.
Genomic context (GRCh38, chr10:86,716,392, plus strand): 5'-GCATCTACCTACAGCCCGTCCCCAGGGGCCAATTACAGTCCCACTCCCTACACCCCCTCC[C>A]CTGCCCCTGCCTACACCCCCTCCCCTGCCCCTGCCTACACCCCCTCACCTGTCCCCACCT-3'
Protein context (NP_009009.1, residues 423-443): NYSPTPYTPS[Pro433Thr]APAYTPSPAP

ClinVar aggregate classification (germline): Uncertain significance (1 of 4 stars; one submission).

Conditions:
Myofibrillar myopathy 4. Also called: Zaspopathy (type). Identifiers: Orphanet 98912, MedGen C4721886, MONDO:0012277, OMIM 609452.

gnomAD v4.1: 2 of 1,591,524 alleles (0.00013%); highest among the groups gnomAD compares: South Asian, 0.0023%; no homozygotes.

Submission:

Labcorp Genetics (formerly Invitae), Labcorp
Classification: Uncertain significance for Myofibrillar myopathy 4. Last evaluated: 2022-08-30. Review status: criteria provided, single submitter. Criteria: Invitae Variant Classification Sherloc (09022015). Collection method: clinical testing. Allele origin: germline.
Comment: Experimental studies and prediction algorithms are not available or were not evaluated, and the functional significance of this variant is currently unknown. The LDB3 gene has multiple clinically relevant transcripts. This variant occurs in alternate transcript NM_007078.3, and corresponds to NM_001080116.1:c.*17018C>A in the primary transcript. This sequence change replaces proline, which is neutral and non-polar, with threonine, which is neutral and polar, at codon 433 of the LDB3 protein (p.Pro433Thr). The frequency data for this variant in the population databases is considered unreliable, as metrics indicate poor data quality at this position in the gnomAD database. This variant has not been reported in the literature in individuals affected with LDB3-related conditions. In summary, the available evidence is currently insufficient to determine the role of this variant in disease. Therefore, it has been classified as a Variant of Uncertain Significance.